The following is an entry in ClinVar:

ClinVar aggregate classification (germline): Uncertain significance (1 of 4 stars; one submission).

gnomAD v4.1: 31 of 1,610,334 alleles (0.0019%); highest among the groups gnomAD compares: Non-Finnish European, 0.00042%; no homozygotes.

Submission:

Women's Health and Genetics/Laboratory Corporation of America, LabCorp
Classification: Uncertain significance. Last evaluated: 2024-08-16. Review status: criteria provided, single submitter. Criteria: LabCorp Variant Classification Summary - May 2015. Collection method: clinical testing. Allele origin: germline.
Comment: Variant summary: LTBP4 c.3853T>A (p.Cys1285Ser), also known as c.3856T>A (p.Cys1286Ser) results in a non-conservative amino acid change in the encoded protein sequence. Three of five in-silico tools predict a damaging effect of the variant on protein function. The variant allele was found at a frequency of 4.6e-05 in 241464 control chromosomes. This frequency is not significantly higher than estimated for a pathogenic variant in LTBP4 causing Cutis Laxa - LTBP4 Related (4.6e-05 vs 0.0011), allowing no conclusion about variant significance. c.3853T>A has been reported in the literature in individuals affected with Cutis Laxa - LTBP4 Related (Su_2015). These data do not allow any conclusion about variant significance. To our knowledge, no experimental evidence demonstrating an impact on protein function has been reported. The following publication have been ascertained in the context of this evaluation (PMID: 25882708). No submitters have cited clinical-significance assessments for this variant to ClinVar. Based on the evidence outlined above, the variant was classified as uncertain significance.

Literature cited by the submitters: PubMed 25882708.

NM_001042545.2(LTBP4):c.3766T>A (p.Cys1256Ser)

Gene: LTBP4 (latent transforming growth factor beta binding protein 4; plus strand). Cytogenetic location: 19q13.2.
Variant type: single nucleotide variant.
Coding change: c.3766T>A on transcript NM_001042545.2 (MANE Select); coding-DNA position 3766, T replaced by A.
Protein change: p.Cys1256Ser; replaces cysteine 1256 with serine.
Molecular consequence: missense variant.
Genome position (GRCh38, 1-based): chr19:40,624,016, T>A. VCF-style: chr19-40624016-T-A. GRCh37 (hg19) VCF-style: chr19-41129921-T-A.
Other names: c.3967T>A, p.Cys1323Ser (NM_001042544.1); c.3856T>A, p.Cys1286Ser (NM_003573.2); short protein forms C1256S, C1286S, C1323S.
Identifiers: ClinVar variation 3366762 (VCV003366762.1).